The following is an entry in ClinVar:

ClinVar aggregate classification (germline): Uncertain significance (1 of 4 stars; one submission).

Submission:

Labcorp Genetics (formerly Invitae), Labcorp
Classification: Uncertain significance. Last evaluated: 2018-03-11. Review status: criteria provided, single submitter. Criteria: Invitae Variant Classification Sherloc (09022015). Collection method: clinical testing. Allele origin: germline.
Comment: In summary, the available evidence is currently insufficient to determine the role of this variant in disease. Therefore, it has been classified as a Variant of Uncertain Significance. This variant is not present in population databases (ExAC no frequency). This sequence change replaces methionine with isoleucine at codon 447 of the POLE protein (p.Met447Ile). The methionine residue is highly conserved and there is a small physicochemical difference between methionine and isoleucine. This variant has not been reported in the literature in individuals with POLE-related disease. Algorithms developed to predict the effect of missense changes on protein structure and function do not agree on the potential impact of this missense change (SIFT: "Tolerated"; PolyPhen-2: "Possibly Damaging"; Align-GVGD: "Class C0").

NM_006231.4(POLE):c.1341G>A (p.Met447Ile)

Gene: POLE (DNA polymerase epsilon, catalytic subunit; minus strand). Cytogenetic location: 12q24.33.
Variant type: single nucleotide variant.
Coding change: c.1341G>A on transcript NM_006231.4 (MANE Select); coding-DNA position 1341, G replaced by A.
Protein change: p.Met447Ile; replaces methionine 447 with isoleucine.
Molecular consequence: missense variant.
Genome position (GRCh38, 1-based): chr12:132,673,593, C>T on the plus strand (G>A on the coding strand, the complement: POLE is on the minus strand). VCF-style: chr12-132673593-C-T. GRCh37 (hg19) VCF-style: chr12-133250179-C-T.
Other names: short protein forms M447I.
Identifiers: ClinVar variation 576736 (VCV000576736.8), dbSNP rs1565973097, ClinGen allele CA387359172.